The following is an entry in ClinVar:

NM_133433.4(NIPBL):c.7571A>G (p.Lys2524Arg)

Gene: NIPBL (NIPBL cohesin loading factor; plus strand). Cytogenetic location: 5p13.2.
Variant type: single nucleotide variant.
Coding change: c.7571A>G on transcript NM_133433.4 (MANE Select); coding-DNA position 7571, A replaced by G.
Protein change: p.Lys2524Arg; replaces lysine 2524 with arginine.
Molecular consequence: missense variant.
Genome position (GRCh38, 1-based): chr5:37,059,051, A>G. VCF-style: chr5-37059051-A-G. GRCh37 (hg19) VCF-style: chr5-37059153-A-G.
Other names: c.7571A>G, p.Lys2524Arg (NM_001438586.1, NM_015384.5); short protein forms K2524R.
Identifiers: ClinVar variation 4884918 (VCV004884918.2).

ClinVar aggregate classification (germline): Uncertain significance (1 of 4 stars; one submission).

Submission:

Dasa
Classification: Uncertain significance. Last evaluated: 2026-01-15. Review status: criteria provided, single submitter. Criteria: DASA Assertion Criteria. Collection method: clinical testing. Allele origin: germline.
Comment: NM_133433.4(NIPBL):c.7571A>G (p.Lys2524Arg) is a missense variant that results in the substitution of lysine with arginine. This variant is rare in population databases. Computational prediction algorithms are consistent with a benign effect. The currently available literature and clinical evidence are not sufficient to establish a definitive association between this variant and the reported condition. Therefore, this variant is classified as a variant of uncertain significance.